The following is an entry in ClinVar:

NM_001312673.2(PCYT1A):c.968dup (p.Ser323fs)

Gene: PCYT1A (phosphate cytidylyltransferase 1A, choline; minus strand). Cytogenetic location: 3q29.
Variant type: Duplication.
Coding change: c.968dup on transcript NM_001312673.2 (MANE Select); coding-DNA position 968, one base duplicated (G; older notation c.968dupG).
Protein change: p.Ser323fs; shifts the reading frame from serine 323.
Molecular consequence: frameshift variant.
Genome position (GRCh38, 1-based): chr3:196,238,824, C duplicated on the plus strand (G on the coding strand, the reverse complement: PCYT1A is on the minus strand). VCF-style (leftmost placement, unchanged base first): chr3-196238823-G-GC. GRCh37 (hg19) VCF-style: chr3-195965694-G-GC.
Other names: c.968dup, p.Ser323fs (NM_005017.4); short protein forms S323fs.
Identifiers: ClinVar variation 101065 (VCV000101065.53), dbSNP rs587777196, ClinGen allele CA214470.

ClinVar aggregate classification (germline): Conflicting classifications of pathogenicity. Review status: criteria provided, conflicting classifications (1 of 4 stars). 6 submissions from 6 submitters: Pathogenic (1); Likely pathogenic (1); Uncertain significance (3). 1 of the submissions does not count toward it. Last evaluated 2026-03-30.

Conditions:
Spondylometaphyseal dysplasia-cone-rod dystrophy syndrome. Identifiers: Orphanet 85167, MedGen C1837073, MONDO:0012160, OMIM 608940.

Allele frequency attached by ClinVar (database versions not stated): gnomAD exomes below 0.00001; ExAC 0.00001; gnomAD 0.00004; TOPMed 0.00006.

Submissions (6):

GeneDx
Classification: Likely pathogenic. Last evaluated: 2026-03-30. Review status: criteria provided, single submitter. Criteria: GeneDx Variant Classification Process June 2021. Collection method: clinical testing. Allele origin: germline.
Comment: Frameshift variant predicted to result in abnormal protein length as the last 45 amino acid(s) are replaced with 37 different amino acid(s), and other similar variants have been reported in HGMD; This variant is associated with the following publications: (PMID: 31964843, 32531858, 24387991)

Labcorp Genetics (formerly Invitae), Labcorp
Classification: Uncertain significance. Last evaluated: 2024-11-11. Review status: criteria provided, single submitter. Criteria: Invitae Variant Classification Sherloc (09022015). Collection method: clinical testing. Allele origin: germline.
Comment: This sequence change creates a premature translational stop signal (p.Ser323Argfs*38) in the PCYT1A gene. While this is not anticipated to result in nonsense mediated decay, it is expected to disrupt the last 45 amino acid(s) of the PCYT1A protein. This variant is present in population databases (rs768195758, gnomAD 0.01%). This premature translational stop signal has been observed in individual(s) with PCYT1A-related conditions (PMID: 24387991, 32531858). It has also been observed to segregate with disease in related individuals. ClinVar contains an entry for this variant (Variation ID: 101065). In summary, the available evidence is currently insufficient to determine the role of this variant in disease. Therefore, it has been classified as a Variant of Uncertain Significance.

Blueprint Genetics
Classification: Uncertain significance. Last evaluated: 2024-04-11. Review status: criteria provided, single submitter. Criteria: ACMG Guidelines, 2015. Collection method: clinical testing. Allele origin: germline.

Neuberg Centre For Genomic Medicine, NCGM
Classification: Uncertain significance for Spondylometaphyseal dysplasia-cone-rod dystrophy syndrome. Last evaluated: 2023-05-20. Review status: criteria provided, single submitter. Criteria: ACMG Guidelines, 2015. Collection method: clinical testing. Allele origin: germline. Inheritance: Autosomal recessive inheritance. Affected: yes.
Comment: The frameshift variant c.968dup(p.Ser323ArgfsTer38) in PCYT1A gene has been observed in homozygous state in individual(s) with spondylometaphyseal dysplasia with cone-rod dystrophy (Yamamoto et. al., 2014). It has also been observed to segregate with disease in related individuals (Yamamoto et. al., 2014). The observed variant has allele frequency of 0.0005% in gnomAD exomes database. This variant has been submitted to the ClinVar database as Pathogenic / Uncertain Significance (VUS). This variant causes a frameshift starting with codon Serine 323, changes this amino acid to Arginine residue, and creates a premature Stop codon at position 38 of the new reading frame, denoted p.Ser323ArgfsTer38. Loss of function variants have been previously reported to be disease causing. However since this variant is present in the last exon, functional studies will be required to prove protein truncation. Hence the variant is classified as Uncertain Significance.

CeGaT Center for Human Genetics Tuebingen
Classification: Pathogenic. Last evaluated: 2019-03-01. Review status: criteria provided, single submitter. Criteria: CeGaT Center For Human Genetics Tuebingen Variant Classification Criteria Version 2. Collection method: clinical testing. Allele origin: germline. Affected: yes. Observed: 1 variant allele.

OMIM
Classification: Pathogenic for SPONDYLOMETAPHYSEAL DYSPLASIA WITH CONE-ROD DYSTROPHY. Last evaluated: 2014-01-02. Review status: no assertion criteria provided. Collection method: literature only. Allele origin: germline. Not counted in ClinVar's aggregate classification.

Literature cited by the submitters: PubMed 24387991 (cited by Labcorp Genetics (formerly Invitae), Labcorp and OMIM); PubMed 32531858 (cited by Labcorp Genetics (formerly Invitae), Labcorp).